The following is an entry in ClinVar:

ClinVar aggregate classification (germline): Uncertain significance (1 of 4 stars; one submission).

Conditions:
Hypokalemic periodic paralysis, type 1. Also called: HypoPP; Hypokalemic Periodic Paralysis Type 1 (AD). Identifiers: Orphanet 681, MedGen C3714580, MONDO:0042979, OMIM 170400.
Malignant hyperthermia, susceptibility to, 5 (MHS5). Also called: CACNA1S-Related Malignant Hyperthermia Susceptibility. Identifiers: Orphanet 423, MedGen C1866077, MONDO:0011163, OMIM 601887.

Submission:

Labcorp Genetics (formerly Invitae), Labcorp
Classification: Uncertain significance for Hypokalemic periodic paralysis, type 1; Malignant hyperthermia, susceptibility to, 5. Last evaluated: 2022-03-18. Review status: criteria provided, single submitter. Criteria: Invitae Variant Classification Sherloc (09022015). Collection method: clinical testing. Allele origin: germline.
Comment: In summary, the available evidence is currently insufficient to determine the role of this variant in disease. Therefore, it has been classified as a Variant of Uncertain Significance. Advanced modeling of protein sequence and biophysical properties (such as structural, functional, and spatial information, amino acid conservation, physicochemical variation, residue mobility, and thermodynamic stability) performed at Invitae indicates that this missense variant is not expected to disrupt CACNA1S protein function. This variant has not been reported in the literature in individuals affected with CACNA1S-related conditions. This variant is not present in population databases (gnomAD no frequency). This sequence change replaces glutamic acid, which is acidic and polar, with glutamine, which is neutral and polar, at codon 1639 of the CACNA1S protein (p.Glu1639Gln).

NM_000069.3(CACNA1S):c.4915G>C (p.Glu1639Gln)

Gene: CACNA1S (calcium voltage-gated channel subunit alpha1 S; minus strand). Cytogenetic location: 1q32.1.
Variant type: single nucleotide variant.
Coding change: c.4915G>C on transcript NM_000069.3 (MANE Select); coding-DNA position 4915, G replaced by C.
Protein change: p.Glu1639Gln; replaces glutamic acid 1639 with glutamine.
Molecular consequence: missense variant.
Genome position (GRCh38, 1-based): chr1:201,043,414, C>G on the plus strand (G>C on the coding strand, the complement: CACNA1S is on the minus strand). VCF-style: chr1-201043414-C-G. GRCh37 (hg19) VCF-style: chr1-201012542-C-G.
Other names: short protein forms E1639Q.
Identifiers: ClinVar variation 1426725 (VCV001426725.6), dbSNP rs758332515, ClinGen allele CA344136741.
Genomic context (GRCh38, chr1:201,043,414, plus strand): 5'-CACGAGCCAGGGGGTTGGTGCGTGGATCTTGTGGGAAGTCCTCCAAGAAGACAGGTGACT[C>G]CATCTCTTCCATCTCTATCTCAGCAAACTGGAGGGGTCTCTGATTGGCCATGACGGGGGG-3'
Protein context (NP_000060.2, residues 1629-1649): QFAEIEMEEM[Glu1639Gln]SPVFLEDFPQ